The following is an entry in ClinVar:

NM_006279.5(ST3GAL3):c.608C>T (p.Thr203Met)

Gene: ST3GAL3 (ST3 beta-galactoside alpha-2,3-sialyltransferase 3; plus strand). Cytogenetic location: 1p34.1.
Variant type: single nucleotide variant.
Coding change: c.608C>T on transcript NM_006279.5 (MANE Select); coding-DNA position 608, C replaced by T.
Protein change: p.Thr203Met; replaces threonine 203 with methionine.
Molecular consequence: missense variant. On other transcripts: non-coding transcript variant (5), intron variant (7).
Genome position (GRCh38, 1-based): chr1:43,899,591, C>T. VCF-style: chr1-43899591-C-T. GRCh37 (hg19) VCF-style: chr1-44365263-C-T.
Other names: c.608C>T, p.Thr203Met (NM_001270459.2, NM_001350620.2, NM_174966.4); c.515C>T, p.Thr172Met (NM_001270460.2); c.560C>T, p.Thr187Met (NM_001270461.3, NM_174969.4); c.467C>T, p.Thr156Met (NM_001270462.3); c.653C>T, p.Thr218Met (NM_001350619.2, NM_174964.4); c.329C>T, p.Thr110Met (NM_001350621.2); c.770C>T, p.Thr257Met (NM_001363573.2, NM_174968.5); c.815C>T, p.Thr272Met (NM_174963.5); and 8 more; short protein forms T110M, T156M, T172M, T187M, T203M, T218M, T241M, T257M.
Identifiers: ClinVar variation 1314922 (VCV001314922.3), dbSNP rs767429776, ClinGen allele CA814764.

ClinVar aggregate classification (germline): Uncertain significance (1 of 4 stars; one submission).

Allele frequency attached by ClinVar (database versions not stated): ExAC 0.00001; gnomAD exomes below 0.00001.
gnomAD v4.1: 3 of 1,614,066 alleles (0.00019%); highest among the groups gnomAD compares: South Asian, 0.0011%; no homozygotes.

Submission:

GeneDx
Classification: Uncertain significance. Last evaluated: 2026-02-14. Review status: criteria provided, single submitter. Criteria: GeneDx Variant Classification Process June 2021. Collection method: clinical testing. Allele origin: germline. Affected: yes.
Comment: Not observed at significant frequency in large population cohorts (gnomAD); In silico analysis supports that this missense variant has a deleterious effect on protein structure/function; Has not been previously published as pathogenic or benign to our knowledge